The following is an entry in ClinVar:

NM_001875.5(CPS1):c.1352_1359+1del

Gene: CPS1 (carbamoyl-phosphate synthase 1; plus strand). Cytogenetic location: 2q34.
Variant type: Deletion.
Coding change: c.1352_1359+1del on transcript NM_001875.5 (MANE Select); coding-DNA position 1352 through the canonical splice donor site of the intron after coding-DNA position 1359, 9 bases deleted (CCATGAAGG; older notation c.1352_1359+1delCCATGAAGG).
Molecular consequence: splice donor variant.
Genome position (GRCh38, 1-based): chr2:210,595,575-210,595,583, CCATGAAGG deleted; deleting any 9 consecutive bases within chr2:210,595,574-210,595,583 gives the same sequence; the c. name uses the placement nearest the transcript's 3' end. VCF-style (leftmost placement, unchanged base first): chr2-210595573-AGCCATGAAG-A. GRCh37 (hg19) VCF-style: chr2-211460297-AGCCATGAAG-A.
Other names: NC_000002.11:g.211460299_211460307del; c.1352_1359+1del (NM_001369257.1, NM_001122633.3); c.1385_1392+1del (NM_001369256.1).
Identifiers: ClinVar variation 3377021 (VCV003377021.3).

ClinVar aggregate classification (germline): Likely pathogenic (1 of 4 stars; one submission).

Conditions:
Congenital hyperammonemia, type I. Also called: CPS I DEFICIENCY; Carbamoyl phosphate synthetase 1 deficiency; Hyperammonemia due to carbamoyl phosphate synthetase 1 deficiency; CPS 1 deficiency; Carbamyl phosphate synthetase (CPS) deficiency; Carbamoyl phosphate synthetase I deficiency disease. Identifiers: Orphanet 147, MedGen C4082171, MONDO:0009376, OMIM 237300.

Submissions (2):

Victorian Clinical Genetics Services, Murdoch Childrens Research Institute
Classification: Likely pathogenic for Congenital hyperammonemia, type I. Last evaluated: 2025-10-21. Review status: criteria provided, single submitter. Criteria: ACMG Guidelines, 2015. Collection method: clinical testing. Allele origin: germline.
Comment: This variant is classified as Likely pathogenic. Evidence in support of pathogenic classification: Non-canonical splice site variant without proven consequence on splicing (no functional evidence available). Although this nine nucleotide deletion encompasses the +1 canonical splice site, the two canonical nucleotides (GT) are preserved when realigning the remaining sequence. However, the exonic non-canonical splice region is altered; Variant is present in gnomAD <0.01 for a recessive condition (v4: 1 heterozygote(s), 0 homozygote(s)); Abnormal splicing is predicted by in silico tool and affected nucleotide is highly conserved. Additional information: This variant is heterozygous; This gene is associated with autosomal recessive disease; This variant has no previous evidence of pathogenicity; No published segregation evidence has been identified for this variant; No published functional evidence has been identified for this variant; No comparable non-canonical splice site variants have previous evidence for pathogenicity; Loss of function is a known mechanism of disease in this gene and is associated with carbamoylphosphate synthetase I deficiency (MIM#237300).

Dr. Peter K. Rogan Lab, Western University
No classification provided (evidence only). Condition: Melanoma. Review status: no classification provided. Collection method: in vitro. Allele origin: not applicable. Functional consequence: skipped exon. Not counted in ClinVar's aggregate classification.